The following is an entry in ClinVar:

NM_014244.5(ADAMTS2):c.2480G>A (p.Arg827Gln)

Gene: ADAMTS2 (ADAM metallopeptidase with thrombospondin type 1 motif 2; minus strand). Cytogenetic location: 5q35.3.
Variant type: single nucleotide variant.
Coding change: c.2480G>A on transcript NM_014244.5 (MANE Select); coding-DNA position 2480, G replaced by A.
Protein change: p.Arg827Gln; replaces arginine 827 with glutamine.
Molecular consequence: missense variant.
Genome position (GRCh38, 1-based): chr5:179,128,096, C>T on the plus strand (G>A on the coding strand, the complement: ADAMTS2 is on the minus strand). VCF-style: chr5-179128096-C-T. GRCh37 (hg19) VCF-style: chr5-178555097-C-T.
Other names: short protein forms R827Q.
Identifiers: ClinVar variation 353103 (VCV000353103.22), dbSNP rs35445112, ClinGen allele CA3595531.

ClinVar aggregate classification (germline): Benign/Likely benign. Review status: criteria provided, multiple submitters, no conflicts (2 of 4 stars). 9 submissions from 9 submitters: Benign (6); Likely benign (2). 1 of the submissions does not count toward it. Last evaluated 2026-02-04.

Conditions:
Ehlers-Danlos syndrome (EDS). Identifiers: Orphanet 98249, MedGen C0013720, MONDO:0020066.
Ehlers-Danlos syndrome, dermatosparaxis type. Also called: Ehlers-Danlos syndrome, type VII, autosomal recessive; EDS VIIC; Dermatosparaxis. Identifiers: Orphanet 1901, MedGen C2700425, MONDO:0009161, OMIM 225410.

Allele frequency attached by ClinVar (database versions not stated): 1000 Genomes Project 0.01138; 1000 Genomes Project 30x 0.01140; gnomAD 0.02465 and 0.02575; ExAC 0.02527; TOPMed 0.02547; gnomAD exomes 0.02609 and 0.03321; ESP Exome Variant Server 0.02706.
gnomAD v4.1: 52,342 of 1,613,704 alleles (3.2%); highest among the groups gnomAD compares: Non-Finnish European, 3.8%; 1,010 homozygotes.

Submissions (9):

Labcorp Genetics (formerly Invitae), Labcorp
Classification: Benign for Ehlers-Danlos syndrome, dermatosparaxis type. Last evaluated: 2026-02-04. Review status: criteria provided, single submitter. Criteria: Invitae Variant Classification Sherloc (09022015). Collection method: clinical testing. Allele origin: germline.

Blueprint Genetics
Classification: Benign. Last evaluated: 2024-11-26. Review status: criteria provided, single submitter. Criteria: ACMG Guidelines, 2015. Collection method: clinical testing. Allele origin: germline.

Genome Diagnostics Laboratory, The Hospital for Sick Children
Classification: Benign for Ehlers-Danlos syndrome. Last evaluated: 2022-07-16. Review status: criteria provided, single submitter. Criteria: ACMG Guidelines, 2015. Collection method: clinical testing. Allele origin: germline.

Women's Health and Genetics/Laboratory Corporation of America, LabCorp
Classification: Benign. Last evaluated: 2021-02-22. Review status: criteria provided, single submitter. Criteria: LabCorp Variant Classification Summary - May 2015. Collection method: clinical testing. Allele origin: germline.
Comment: Variant summary: ADAMTS2 c.2480G>A (p.Arg827Gln) results in a conservative amino acid change located in the ADAM-TS Spacer 1 domain (IPR010294) of the encoded protein sequence. Five of five in-silico tools predict a benign effect of the variant on protein function. The variant allele was found at a frequency of 0.026 in 251048 control chromosomes in the gnomAD database, including 126 homozygotes. The observed variant frequency is approximately 9- fold the estimated maximal expected allele frequency for a pathogenic variant in ADAMTS2 causing Ehlers-Danlos Syndrome, Type VIIC (Dermatosparaxis) phenotype (0.0029), strongly suggesting that the variant is benign. To our knowledge, there are no reports of of c.2480G>A in individuals affected with Ehlers-Danlos Syndrome, Type VIIC (Dermatosparaxis) and no experimental evidence demonstrating an impact on protein function published in the literature. Four clinical diagnostic laboratories have submitted clinical-significance assessments for this variant to ClinVar after 2014 without evidence for independent evaluation. All laboratories classified the variant as benign/likely benign. Based on the evidence outlined above, the variant was classified as benign.

Mayo Clinic Laboratories, Mayo Clinic
Classification: Benign. Last evaluated: 2019-05-21. Review status: criteria provided, single submitter. Criteria: ACMG Guidelines, 2015. Collection method: clinical testing. Allele origin: germline. Observed: 303 variant alleles.

Illumina Laboratory Services, Illumina
Classification: Likely benign for Ehlers-Danlos syndrome, dermatosparaxis type. Last evaluated: 2017-04-27. Review status: criteria provided, single submitter. Criteria: ICSL Variant Classification Criteria 13 December 2019. Collection method: clinical testing. Allele origin: germline.
Comment: This variant was observed as part of a predisposition screen in an ostensibly healthy population. A literature search was performed for the gene, cDNA change, and amino acid change (where applicable). No publications were found based on this search. Allele frequency data from public databases allowed determination this variant is unlikely to cause disease. Therefore, this variant is classified as likely benign.

GeneDx
Classification: Benign. Last evaluated: 2016-10-31. Review status: criteria provided, single submitter. Criteria: GeneDx Variant Classification (06012015). Collection method: clinical testing. Allele origin: germline. Affected: yes.
Comment: This variant is considered likely benign or benign based on one or more of the following criteria: it is a conservative change, it occurs at a poorly conserved position in the protein, it is predicted to be benign by multiple in silico algorithms, and/or has population frequency not consistent with disease.

Breakthrough Genomics
Classification: Likely benign. Review status: criteria provided, single submitter. Criteria: ACMG Guidelines, 2015. Collection method: not provided. Allele origin: germline. Inheritance: Autosomal recessive inheritance. Affected: yes.

Natera, Inc.
Classification: Benign for Ehlers-Danlos syndrome type VIIC. Last evaluated: 2020-09-16. Review status: no assertion criteria provided. Collection method: clinical testing. Allele origin: germline. Not counted in ClinVar's aggregate classification.

Literature cited by the submitters: PubMed 29843651 (cited by Women's Health and Genetics/Laboratory Corporation of America, LabCorp); PubMed 22863189 (cited by Women's Health and Genetics/Laboratory Corporation of America, LabCorp); PubMed 28346524 (cited by Women's Health and Genetics/Laboratory Corporation of America, LabCorp).